The following is an entry in ClinVar:

NM_000238.4(KCNH2):c.2548G>A (p.Asp850Asn)

Gene: KCNH2 (potassium voltage-gated channel subfamily H member 2; minus strand). Cytogenetic location: 7q36.1.
Variant type: single nucleotide variant.
Coding change: c.2548G>A on transcript NM_000238.4 (MANE Select); coding-DNA position 2548, G replaced by A.
Protein change: p.Asp850Asn; replaces aspartic acid 850 with asparagine.
Molecular consequence: missense variant. On other transcripts: non-coding transcript variant (2).
Genome position (GRCh38, 1-based): chr7:150,948,900, C>T on the plus strand (G>A on the coding strand, the complement: KCNH2 is on the minus strand). VCF-style: chr7-150948900-C-T. GRCh37 (hg19) VCF-style: chr7-150645988-C-T.
Other names: c.2260G>A, p.Asp754Asn (NM_001406753.1); c.1528G>A, p.Asp510Asn (NM_172057.3); short protein forms D510N, D754N, D850N.
Identifiers: ClinVar variation 3074807 (VCV003074807.4), dbSNP rs1036885088, ClinGen allele CA169074750.
Genomic context (GRCh38, chr7:150,948,900, plus strand): 5'-AGGGCAGCCAACTCACATCTCGCAGGTTGAAGGTGATCTCCAGGCTGGACCAGAAGTGGT[C>T]GGAGAACTCAGGGTACATGTCCAGCACCTCCAGCAGGTCGTCCCGATGGATCTTGTGTAG-3'
Protein context (NP_000229.1, residues 840-860): EVLDMYPEFS[Asp850Asn]HFWSSLEITF

ClinVar aggregate classification (germline): Uncertain significance. Review status: criteria provided, multiple submitters, no conflicts (2 of 4 stars). 4 submissions from 4 submitters: Uncertain significance (4). Last evaluated 2025-05-27.

Conditions:
Long QT syndrome (LQTS). Identifiers: MedGen C0023976, MeSH D008133, MONDO:0002442. Disease mechanism: loss of function. Inheritance: Various modes of inheritance.
Cardiac arrhythmia. Also called: Cardiac rhythm disease; Arrhythmia. Identifiers: MedGen C0003811, MONDO:0007263, HP:0011675.
Cardiovascular phenotype. Identifiers: MedGen CN230736.

gnomAD v4.1: 5 of 1,614,180 alleles (0.00031%); highest among the groups gnomAD compares: East Asian, 0.0045%; no homozygotes.

Submissions (4):

Labcorp Genetics (formerly Invitae), Labcorp
Classification: Uncertain significance for Long QT syndrome. Last evaluated: 2025-05-27. Review status: criteria provided, single submitter. Criteria: Invitae Variant Classification Sherloc (09022015). Collection method: clinical testing. Allele origin: germline.
Comment: This sequence change replaces aspartic acid, which is acidic and polar, with asparagine, which is neutral and polar, at codon 850 of the KCNH2 protein (p.Asp850Asn). This variant is present in population databases (no rsID available, gnomAD 0.007%). This missense change has been observed in individual(s) with arrhythmia (PMID: 36861347). ClinVar contains an entry for this variant (Variation ID: 3074807). An algorithm developed to predict the effect of missense changes on protein structure and function (PolyPhen-2) suggests that this variant is likely to be disruptive. In summary, the available evidence is currently insufficient to determine the role of this variant in disease. Therefore, it has been classified as a Variant of Uncertain Significance.

Ambry Genetics
Classification: Uncertain significance for Cardiovascular phenotype. Last evaluated: 2024-11-04. Review status: criteria provided, single submitter. Criteria: Ambry Variant Classification Scheme 2023. Collection method: clinical testing. Allele origin: germline.
Comment: The p.D850N variant (also known as c.2548G>A), located in coding exon 10 of the KCNH2 gene, results from a G to A substitution at nucleotide position 2548. The aspartic acid at codon 850 is replaced by asparagine, an amino acid with highly similar properties. This amino acid position is well conserved in available vertebrate species. In addition, the in silico prediction for this alteration is inconclusive. Based on the available evidence, the clinical significance of this variant remains unclear.

All of Us Research Program, National Institutes of Health
Classification: Uncertain significance for Long QT syndrome. Last evaluated: 2023-12-13. Review status: criteria provided, single submitter. Criteria: ACMG Guidelines, 2015. Collection method: clinical testing. Allele origin: germline. Inheritance: Autosomal dominant inheritance. Observed: 1 variant allele, 1 heterozygote.
Comment: This missense variant replaces aspartic acid with asparagine at codon 850 of the KCNH2 protein. Computational prediction is inconclusive regarding the impact of this variant on protein structure and function (internally defined REVEL score threshold 0.5 < inconclusive < 0.7, PMID: 27666373). To our knowledge, functional studies have not been reported for this variant. This variant has not been reported in individuals affected with KCNH2-related disorders in the literature. This variant has been identified in 2/251426 chromosomes in the general population by the Genome Aggregation Database (gnomAD). The available evidence is insufficient to determine the role of this variant in disease conclusively. Therefore, this variant is classified as a Variant of Uncertain Significance.

This study involves interpretation of variants in research participants for the purpose of population health screening. Participant phenotype was not available at the time of variant classification. Additional details can be found in publication PMID: 35346344, PMCID: PMC8962531

Color Diagnostics, LLC DBA Color Health
Classification: Uncertain significance for Cardiac arrhythmia. Last evaluated: 2023-11-15. Review status: criteria provided, single submitter. Criteria: ACMG Guidelines, 2015. Collection method: clinical testing. Allele origin: germline.
Comment: This missense variant replaces aspartic acid with asparagine at codon 850 of the KCNH2 protein. Computational prediction is inconclusive regarding the impact of this variant on protein structure and function. To our knowledge, functional studies have not been reported for this variant. This variant has not been reported in individuals affected with KCNH2-related disorders in the literature. This variant has been identified in 2/251426 chromosomes in the general population by the Genome Aggregation Database (gnomAD). The available evidence is insufficient to determine the role of this variant in disease conclusively. Therefore, this variant is classified as a Variant of Uncertain Significance.

Literature cited by the submitters: PubMed 36861347 (cited by Labcorp Genetics (formerly Invitae), Labcorp).